The following is an entry in ClinVar:

ClinVar aggregate classification (germline): Likely benign. Review status: criteria provided, multiple submitters, no conflicts (2 of 4 stars). 4 submissions from 4 submitters: Likely benign (3). 1 of the submissions does not count toward it. Last evaluated 2025-11-01.

Conditions:
Occult macular dystrophy (OCMD). Also called: OMD; OCCULT MACULAR DYSTROPHY, SUSCEPTIBILITY TO. Identifiers: Orphanet 247834, MedGen C3150833, MONDO:0013316, OMIM 613587, HP:0030636.
RP1L1-related disorder. Also called: RP1L1-related condition.

Allele frequency attached by ClinVar (database versions not stated): TOPMed 0.00026; ESP Exome Variant Server 0.00041; gnomAD exomes 0.00041 and 0.00058; ExAC 0.00054; gnomAD 0.00076 and 0.00080.
gnomAD v4.1: 715 of 1,613,488 alleles (0.044%); highest among the groups gnomAD compares: Non-Finnish European, 0.037%; 2 homozygotes.

Submissions (4):

CeGaT Center for Human Genetics Tuebingen
Classification: Likely benign. Last evaluated: 2025-11-01. Review status: criteria provided, single submitter. Criteria: CeGaT Center For Human Genetics Tuebingen Variant Classification Criteria Version 2. Collection method: clinical testing. Allele origin: germline. Affected: yes. Observed: 1 variant allele.
Comment: RP1L1: BP4, BS2

Blueprint Genetics
Classification: Likely benign. Last evaluated: 2024-11-22. Review status: criteria provided, single submitter. Criteria: ACMG Guidelines, 2015. Collection method: clinical testing. Allele origin: germline.

Illumina Laboratory Services, Illumina
Classification: Likely benign for Occult macular dystrophy. Last evaluated: 2017-04-27. Review status: criteria provided, single submitter. Criteria: ICSL Variant Classification Criteria 13 December 2019. Collection method: clinical testing. Allele origin: germline.
Comment: This variant was observed as part of a predisposition screen in an ostensibly healthy population. A literature search was performed for the gene, cDNA change, and amino acid change (where applicable). No publications were found based on this search. Allele frequency data from public databases allowed determination this variant is unlikely to cause disease. Therefore, this variant is classified as likely benign.

PreventionGenetics, part of Exact Sciences
Classification: Likely benign for RP1L1-related condition. Last evaluated: 2019-10-14. Review status: no assertion criteria provided. Collection method: clinical testing. Allele origin: germline. Not counted in ClinVar's aggregate classification.
Comment: This variant is classified as likely benign based on ACMG/AMP sequence variant interpretation guidelines (Richards et al. 2015 PMID: 25741868, with internal and published modifications).

NM_178857.6(RP1L1):c.2383G>A (p.Glu795Lys)

Gene: RP1L1 (RP1 like 1). Cytogenetic location: 8p23.1.
Variant type: single nucleotide variant.
Coding change: c.2383G>A on transcript NM_178857.6 (MANE Select); coding-DNA position 2383, G replaced by A.
Protein change: p.Glu795Lys; replaces glutamic acid 795 with lysine.
Molecular consequence: missense variant.
Genome position (GRCh38, 1-based): chr8:10,611,715, C>T on the plus strand (G>A on the coding strand, the complement: RP1L1 is on the minus strand). VCF-style: chr8-10611715-C-T. GRCh37 (hg19) VCF-style: chr8-10469225-C-T.
Other names: short protein forms E795K.
Identifiers: ClinVar variation 361348 (VCV000361348.14), dbSNP rs199746022, ClinGen allele CA4624848.
Genomic context (GRCh38, chr8:10,611,715, plus strand): 5'-GCTCAGGCCGTCCAACCTGCAGAACCAAGGGTGAGGAGGGCTGAGGCGTGTCCCTGGCCT[C>T]TTCCCCCAGGCTGGCAGCCCCAGATTTTGAGCAGGAGTCGGATGTGTGGGGAGGTATGGG-3'
Protein context (NP_849188.4, residues 785-805): SKSGAASLGE[Glu795Lys]ARDTPQPSSP